The following is an entry in ClinVar:

NM_005149.3(TBX19):c.299G>A (p.Arg100His)

Gene: TBX19 (T-box transcription factor 19; plus strand). Cytogenetic location: 1q24.2.
Variant type: single nucleotide variant.
Coding change: c.299G>A on transcript NM_005149.3 (MANE Select); coding-DNA position 299, G replaced by A.
Protein change: p.Arg100His; replaces arginine 100 with histidine.
Molecular consequence: missense variant.
Genome position (GRCh38, 1-based): chr1:168,291,255, G>A. VCF-style: chr1-168291255-G-A. GRCh37 (hg19) VCF-style: chr1-168260493-G-A.
Other names: short protein forms R100H.
Identifiers: ClinVar variation 4848823 (VCV004848823.1).

ClinVar aggregate classification (germline): Likely pathogenic (1 of 4 stars; one submission).

Conditions:
Congenital isolated adrenocorticotropic hormone deficiency. Also called: ACTH DEFICIENCY, ISOLATED; ACTH deficiency; Adrenocorticotropic hormone deficiency. Identifiers: Orphanet 199296, MedGen C0342388, MONDO:0008720, OMIM 201400, HP:0011748.

gnomAD v4.1: 7 of 1,614,080 alleles (0.00043%); highest among the groups gnomAD compares: East Asian, 0.0022%; no homozygotes.

Submission:

Women's Health and Genetics/Laboratory Corporation of America, LabCorp
Classification: Likely pathogenic for Congenital isolated adrenocorticotropic hormone deficiency. Last evaluated: 2026-04-07. Review status: criteria provided, single submitter. Criteria: LabCorp Variant Classification Summary - May 2015. Collection method: clinical testing. Allele origin: germline.
Comment: Variant summary: TBX19 c.299G>A (p.Arg100His) results in a non-conservative amino acid change in the encoded protein sequence. Algorithms developed to predict the effect of missense changes on protein structure and function all suggest that this variant is likely to be disruptive. The variant allele was found at a frequency of 4e-06 in 251422 control chromosomes. c.299G>A has been observed in the presumed or confirmed compound heterozygous state in multiple individual(s) affected with Adrenocorticotropic Hormone Deficiency (example, Couture_2012, Lei_2025, Vieira_2022). These data indicate that the variant is likely to be associated with disease. At least one publication reports experimental evidence evaluating an impact on protein function. The most pronounced variant effect results in <10% of normal activity, however another group reported a less severe reduction in activity in vitro (example, Couture_2012, Lei_2025). The following publications have been ascertained in the context of this evaluation (PMID: 22170728, 39776042, 36070412). No submitters have cited clinical-significance assessments for this variant to ClinVar. Based on the evidence outlined above, the variant was classified as likely pathogenic.

Literature cited by the submitters: PubMed 22170728; PubMed 39776042; PubMed 36070412.